The following is an entry in ClinVar:

NM_001365276.2(TNXB):c.9189G>C (p.Leu3063=)

Gene: TNXB (tenascin XB; minus strand). Cytogenetic location: 6p21.33.
Variant type: single nucleotide variant.
Coding change: c.9189G>C on transcript NM_001365276.2 (MANE Select); coding-DNA position 9189, G replaced by C.
Protein change: p.Leu3063=; no amino-acid change (leucine 3063 retained).
Molecular consequence: synonymous variant.
Genome position (GRCh38, 1-based): chr6:32,050,248, C>G on the plus strand (G>C on the coding strand, the complement: TNXB is on the minus strand). VCF-style: chr6-32050248-C-G. GRCh37 (hg19) VCF-style: chr6-32018025-C-G.
Other names: p.Leu3061=; c.9183G>C, p.Leu3061= (NM_019105.8).
Identifiers: ClinVar variation 1216698 (VCV001216698.9), dbSNP rs371734979, ClinGen allele CA3733601.

ClinVar aggregate classification (germline): Likely benign. Review status: criteria provided, multiple submitters, no conflicts (2 of 4 stars). 6 submissions from 6 submitters: Likely benign (6). Last evaluated 2026-01-11.

Conditions:
Cardiovascular phenotype. Identifiers: MedGen CN230736.

Allele frequency attached by ClinVar (database versions not stated): ESP Exome Variant Server 0.00013.
gnomAD v4.1: 211 of 1,613,448 alleles (0.013%); highest among the groups gnomAD compares: East Asian, 0.049%; 1 homozygote.

Submissions (6):

Labcorp Genetics (formerly Invitae), Labcorp
Classification: Likely benign. Last evaluated: 2026-01-11. Review status: criteria provided, single submitter. Criteria: Invitae Variant Classification Sherloc (09022015). Collection method: clinical testing. Allele origin: germline.

Women's Health and Genetics/Laboratory Corporation of America, LabCorp
Classification: Likely benign. Last evaluated: 2025-10-28. Review status: criteria provided, single submitter. Criteria: LabCorp Variant Classification Summary - May 2015. Collection method: clinical testing. Allele origin: germline.

Mayo Clinic Laboratories, Mayo Clinic
Classification: Likely benign. Last evaluated: 2025-07-01. Review status: criteria provided, single submitter. Criteria: ACMG Guidelines, 2015. Collection method: clinical testing. Allele origin: germline. Observed: 4 variant alleles.
Comment: BP4, BP7

Blueprint Genetics
Classification: Likely benign. Last evaluated: 2024-05-29. Review status: criteria provided, single submitter. Criteria: ACMG Guidelines, 2015. Collection method: clinical testing. Allele origin: germline.

Ambry Genetics
Classification: Likely benign for Cardiovascular phenotype. Last evaluated: 2022-04-03. Review status: criteria provided, single submitter. Criteria: Ambry Variant Classification Scheme 2023. Collection method: clinical testing. Allele origin: germline.

GeneDx
Classification: Likely benign. Last evaluated: 2020-11-05. Review status: criteria provided, single submitter. Criteria: GeneDx Variant Classification Process June 2021. Collection method: clinical testing. Allele origin: germline. Affected: yes.